The following is an entry in ClinVar:

ClinVar aggregate classification (germline): Likely benign. Review status: criteria provided, multiple submitters, no conflicts (2 of 4 stars). 4 submissions from 4 submitters: Likely benign (4). Last evaluated 2025-09-06.

Conditions:
KLHL7-related disorder. Also called: KLHL7-related disorders; KLHL7-related condition.

Allele frequency attached by ClinVar (database versions not stated): gnomAD 0.00001.
gnomAD v4.1: 8 of 1,614,038 alleles (0.0005%); highest among the groups gnomAD compares: Non-Finnish European, 0.00068%; no homozygotes.

Submissions (4):

Labcorp Genetics (formerly Invitae), Labcorp
Classification: Likely benign. Last evaluated: 2025-09-06. Review status: criteria provided, single submitter. Criteria: Invitae Variant Classification Sherloc (09022015). Collection method: clinical testing. Allele origin: germline.

PreventionGenetics, part of Exact Sciences
Classification: Likely benign for KLHL7-related condition. Last evaluated: 2025-01-17. Review status: criteria provided, single submitter. Criteria: ACMG Guidelines, 2015. Collection method: clinical testing. Allele origin: germline.
Comment: This variant is classified as likely benign based on ACMG/AMP sequence variant interpretation guidelines (Richards et al. 2015 PMID: 25741868, with internal and published modifications).

Blueprint Genetics
Classification: Likely benign. Last evaluated: 2023-08-15. Review status: criteria provided, single submitter. Criteria: ACMG Guidelines, 2015. Collection method: clinical testing. Allele origin: germline.

Breakthrough Genomics
Classification: Likely benign. Review status: criteria provided, single submitter. Criteria: ACMG Guidelines, 2015. Collection method: not provided. Allele origin: germline. Inheritance: Autosomal recessive inheritance. Affected: yes.

NM_001031710.3(KLHL7):c.684T>C (p.Asp228=)

Gene: KLHL7 (kelch like family member 7; plus strand). Cytogenetic location: 7p15.3.
Variant type: single nucleotide variant.
Coding change: c.684T>C on transcript NM_001031710.3 (MANE Select); coding-DNA position 684, T replaced by C.
Protein change: p.Asp228=; no amino-acid change (aspartic acid 228 retained).
Molecular consequence: synonymous variant. On other transcripts: non-coding transcript variant (1).
Genome position (GRCh38, 1-based): chr7:23,143,916, T>C. VCF-style: chr7-23143916-T-C. GRCh37 (hg19) VCF-style: chr7-23183535-T-C.
Other names: c.684T>C (NM_001031710.2); c.540T>C, p.Asp180= (NM_018846.5).
Identifiers: ClinVar variation 1126683 (VCV001126683.11), dbSNP rs1215115376, ClinGen allele CA453988036.